The following is an entry in ClinVar:

NM_001031710.3(KLHL7):c.263A>G (p.Lys88Arg)

Gene: KLHL7 (kelch like family member 7; plus strand). Cytogenetic location: 7p15.3.
Variant type: single nucleotide variant.
Coding change: c.263A>G on transcript NM_001031710.3 (MANE Select); coding-DNA position 263, A replaced by G.
Protein change: p.Lys88Arg; replaces lysine 88 with arginine.
Molecular consequence: missense variant. On other transcripts: non-coding transcript variant (2).
Genome position (GRCh38, 1-based): chr7:23,124,727, A>G. VCF-style: chr7-23124727-A-G. GRCh37 (hg19) VCF-style: chr7-23164346-A-G.
Other names: c.263A>G, p.Lys88Arg (NM_001172428.2); c.119A>G, p.Lys40Arg (NM_018846.5); short protein forms K40R, K88R.
Identifiers: ClinVar variation 3726014 (VCV003726014.2).

ClinVar aggregate classification (germline): Uncertain significance (1 of 4 stars; one submission).

Submission:

Labcorp Genetics (formerly Invitae), Labcorp
Classification: Uncertain significance. Last evaluated: 2024-11-30. Review status: criteria provided, single submitter. Criteria: Invitae Variant Classification Sherloc (09022015). Collection method: clinical testing. Allele origin: germline.
Comment: This sequence change replaces lysine, which is basic and polar, with arginine, which is basic and polar, at codon 88 of the KLHL7 protein (p.Lys88Arg). This variant is not present in population databases (gnomAD no frequency). This variant has not been reported in the literature in individuals affected with KLHL7-related conditions. An algorithm developed to predict the effect of missense changes on protein structure and function (PolyPhen-2) suggests that this variant is likely to be tolerated. In summary, the available evidence is currently insufficient to determine the role of this variant in disease. Therefore, it has been classified as a Variant of Uncertain Significance.